The following is an entry in ClinVar:

NM_025215.6(PUS1):c.352T>C (p.Ser118Pro)

Genes: PUS1 (pseudouridine synthase 1; plus strand), LOC132090059 (Neanderthal introgressed variant-containing enhancer experimental_25941; plus strand). Cytogenetic location: 12q24.33.
Variant type: single nucleotide variant.
Coding change: c.352T>C on transcript NM_025215.6 (MANE Select); coding-DNA position 352, T replaced by C.
Protein change: p.Ser118Pro; replaces serine 118 with proline.
Molecular consequence: missense variant.
Genome position (GRCh38, 1-based): chr12:131,932,223, T>C. VCF-style: chr12-131932223-T-C. GRCh37 (hg19) VCF-style: chr12-132416768-T-C.
Other names: p.Ser118Pro; c.268T>C, p.Ser90Pro (NM_001002019.3, NM_001002020.3); short protein forms S118P, S90P.
Identifiers: ClinVar variation 3149830 (VCV003149830.2), dbSNP rs372191433, ClinGen allele CA6884096.

ClinVar aggregate classification (germline): Uncertain significance. Review status: criteria provided, multiple submitters, no conflicts (2 of 4 stars). 2 submissions from 2 submitters: Uncertain significance (2). Last evaluated 2025-01-31.

Conditions:
Inborn genetic diseases. Identifiers: MedGen C0950123, MeSH D030342.

Allele frequency attached by ClinVar (database versions not stated): TOPMed 0.00004; ExAC 0.00004; gnomAD exomes 0.00002; gnomAD 0.00003; ESP Exome Variant Server 0.00008.
gnomAD v4.1: 31 of 1,613,968 alleles (0.0019%); highest among the groups gnomAD compares: Non-Finnish European, 0.0023%; no homozygotes.

Submissions (2):

Mayo Clinic Laboratories, Mayo Clinic
Classification: Uncertain significance. Last evaluated: 2025-01-31. Review status: criteria provided, single submitter. Criteria: ACMG Guidelines, 2015. Collection method: clinical testing. Allele origin: germline. Observed: 1 variant allele.
Comment: BP4, PM2_supporting

Ambry Genetics
Classification: Uncertain significance for Inborn genetic diseases. Last evaluated: 2023-12-21. Review status: criteria provided, single submitter. Criteria: Ambry Variant Classification Scheme 2023. Collection method: clinical testing. Allele origin: germline.